The following is an entry in ClinVar:

ClinVar aggregate classification (germline): Uncertain significance. Review status: criteria provided, multiple submitters, no conflicts (2 of 4 stars). 4 submissions from 4 submitters: Uncertain significance (3). 1 of the submissions does not count toward it. Last evaluated 2024-06-05.

Conditions:
Fanconi anemia complementation group A (FANCA). Also called: FANCA-Related Fanconi Anemia; Fanconi anemia, group A. Identifiers: Orphanet 84, MedGen C3469521, MONDO:0009215, OMIM 227650.
Fanconi anemia (FA). Also called: Fanconi's anemia. Identifiers: Orphanet 84, MedGen C0015625, MeSH D005199, MONDO:0019391.

Allele frequency attached by ClinVar (database versions not stated): gnomAD exomes below 0.00001 and 0.00002; TOPMed 0.00001.
gnomAD v4.1: 6 of 1,614,240 alleles (0.00037%); highest among the groups gnomAD compares: Admixed American, 0.0083%; no homozygotes.

Submissions (4):

Fulgent Genetics
Classification: Uncertain significance for Fanconi anemia complementation group A. Last evaluated: 2024-06-05. Review status: criteria provided, single submitter. Criteria: ACMG Guidelines, 2015. Collection method: clinical testing. Allele origin: germline.

GeneDx
Classification: Uncertain significance. Last evaluated: 2022-10-24. Review status: criteria provided, single submitter. Criteria: GeneDx Variant Classification Process June 2021. Collection method: clinical testing. Allele origin: germline. Affected: yes.
Comment: In silico analysis supports that this missense variant does not alter protein structure/function; Has not been previously published as pathogenic or benign to our knowledge

Labcorp Genetics (formerly Invitae), Labcorp
Classification: Uncertain significance for Fanconi anemia. Last evaluated: 2022-08-20. Review status: criteria provided, single submitter. Criteria: Invitae Variant Classification Sherloc (09022015). Collection method: clinical testing. Allele origin: germline.
Comment: This sequence change replaces alanine, which is neutral and non-polar, with valine, which is neutral and non-polar, at codon 1066 of the FANCA protein (p.Ala1066Val). This variant is present in population databases (no rsID available, gnomAD 0.01%). This variant has not been reported in the literature in individuals affected with FANCA-related conditions. ClinVar contains an entry for this variant (Variation ID: 579454). Advanced modeling of protein sequence and biophysical properties (such as structural, functional, and spatial information, amino acid conservation, physicochemical variation, residue mobility, and thermodynamic stability) performed at Invitae indicates that this missense variant is not expected to disrupt FANCA protein function. In summary, the available evidence is currently insufficient to determine the role of this variant in disease. Therefore, it has been classified as a Variant of Uncertain Significance.

Natera, Inc.
Classification: Uncertain significance for Fanconi anemia. Last evaluated: 2019-10-28. Review status: no assertion criteria provided. Collection method: clinical testing. Allele origin: germline. Not counted in ClinVar's aggregate classification.

NM_000135.4(FANCA):c.3197C>T (p.Ala1066Val)

Gene: FANCA (FA complementation group A; minus strand). Cytogenetic location: 16q24.3.
Variant type: single nucleotide variant.
Coding change: c.3197C>T on transcript NM_000135.4 (MANE Select); coding-DNA position 3197, C replaced by T.
Protein change: p.Ala1066Val; replaces alanine 1066 with valine.
Molecular consequence: missense variant.
Genome position (GRCh38, 1-based): chr16:89,749,772, G>A on the plus strand (C>T on the coding strand, the complement: FANCA is on the minus strand). VCF-style: chr16-89749772-G-A. GRCh37 (hg19) VCF-style: chr16-89816180-G-A.
Other names: c.3197C>T (LRG_495t1); c.3197C>T, p.Ala1066Val (NM_001286167.3); short protein forms A1066V.
Identifiers: ClinVar variation 579454 (VCV000579454.8), dbSNP rs1419279017, ClinGen allele CA397486503.
Genomic context (GRCh38, chr16:89,749,772, plus strand): 5'-GGTGGTAGTAGGTGTTACCGTTTGTACATTAGCAGCTCCCTCTGTCTCTGAAGGCTGGCA[G>A]CCACGCTCCACCCGCTTGTCAGAGCCTGGAGCCGTCTGCGGAAAATCTCAAAGAGGAAGT-3'
Protein context (NP_000126.2, residues 1056-1076): LQALTSGWSV[Ala1066Val]ASLQRQRELL